The following is an entry in ClinVar:

NM_198253.3(TERT):c.1568G>A (p.Ser523Asn)

Gene: TERT (telomerase reverse transcriptase; minus strand). Cytogenetic location: 5p15.33.
Variant type: single nucleotide variant.
Coding change: c.1568G>A on transcript NM_198253.3 (MANE Select); coding-DNA position 1568, G replaced by A.
Protein change: p.Ser523Asn; replaces serine 523 with asparagine.
Molecular consequence: missense variant. On other transcripts: non-coding transcript variant (2).
Genome position (GRCh38, 1-based): chr5:1,293,318, C>T on the plus strand (G>A on the coding strand, the complement: TERT is on the minus strand). VCF-style: chr5-1293318-C-T. GRCh37 (hg19) VCF-style: chr5-1293433-C-T.
Other names: c.1568G>A, p.Ser523Asn (NM_001193376.3); c.1568G>A (NM_198253.2); short protein forms S523N.
Identifiers: ClinVar variation 1518994 (VCV001518994.9), dbSNP rs1751108602, ClinGen allele CA359085014.

ClinVar aggregate classification (germline): Uncertain significance. Review status: criteria provided, multiple submitters, no conflicts (2 of 4 stars). 2 submissions from 2 submitters: Uncertain significance (2). Last evaluated 2025-02-04.

Conditions:
Dyskeratosis congenita. Identifiers: Orphanet 1775, MedGen C0265965, MONDO:0015780.
Dyskeratosis congenita, autosomal dominant 2. Identifiers: MedGen C3151443, MONDO:0013521, OMIM 613989.
Idiopathic Pulmonary Fibrosis. Also called: Idiopathic fibrosing alveolitis, chronic form; idiopathic fibrosing alveolitis. Identifiers: Orphanet 2032, MedGen C1800706, MeSH D054990, MONDO:0800504.

Allele frequency attached by ClinVar (database versions not stated): TOPMed 0.00001.

Submissions (2):

Labcorp Genetics (formerly Invitae), Labcorp
Classification: Uncertain significance for Dyskeratosis congenita, autosomal dominant 2; Idiopathic Pulmonary Fibrosis. Last evaluated: 2025-02-04. Review status: criteria provided, single submitter. Criteria: Invitae Variant Classification Sherloc (09022015). Collection method: clinical testing. Allele origin: germline.
Comment: This sequence change replaces serine, which is neutral and polar, with asparagine, which is neutral and polar, at codon 523 of the TERT protein (p.Ser523Asn). This variant is not present in population databases (gnomAD no frequency). This variant has not been reported in the literature in individuals affected with TERT-related conditions. ClinVar contains an entry for this variant (Variation ID: 1518994). Invitae Evidence Modeling of protein sequence and biophysical properties (such as structural, functional, and spatial information, amino acid conservation, physicochemical variation, residue mobility, and thermodynamic stability) indicates that this missense variant is not expected to disrupt TERT protein function with a negative predictive value of 95%. In summary, the available evidence is currently insufficient to determine the role of this variant in disease. Therefore, it has been classified as a Variant of Uncertain Significance.

Ambry Genetics
Classification: Uncertain significance for Dyskeratosis congenita. Last evaluated: 2023-09-23. Review status: criteria provided, single submitter. Criteria: Ambry Variant Classification Scheme 2023. Collection method: clinical testing. Allele origin: germline.
Comment: The p.S523N variant (also known as c.1568G>A), located in coding exon 2 of the TERT gene, results from a G to A substitution at nucleotide position 1568. The serine at codon 523 is replaced by asparagine, an amino acid with highly similar properties. This amino acid position is conserved. In addition, this alteration is predicted to be tolerated by in silico analysis. Since supporting evidence is limited at this time, the clinical significance of this alteration remains unclear.